The following is an entry in ClinVar:

ClinVar aggregate classification (germline): Pathogenic/Likely pathogenic. Review status: criteria provided, multiple submitters, no conflicts (2 of 4 stars). 7 submissions from 7 submitters: Pathogenic (5); Likely pathogenic (1). 1 of the submissions does not count toward it. Last evaluated 2025-03-05.

Conditions:
Hereditary leiomyomatosis and renal cell cancer. Also called: LEIOMYOMA, MULTIPLE CUTANEOUS; MULTIPLE CUTANEOUS AND UTERINE LEIOMYOMATA 1, WITH OR WITHOUT RENAL CELL CARCINOMA; Reed syndrome; Multiple cutaneous and uterine leiomyomatosis; Cutaneous leiomyomata with uterine leiomyomata; Leiomyoma, hereditary multiple, of skin. Identifiers: Orphanet 523, MedGen C1708350, MONDO:0007888, OMIM 150800, HP:0007437. Disease mechanism: loss of function.
Fumarase deficiency (FMRD). Also called: Fumarate Hydratase Deficiency; Fumaric aciduria. Identifiers: Orphanet 24, MedGen C0342770, MONDO:0011730, OMIM 606812.
Hereditary cancer-predisposing syndrome. Also called: Hereditary neoplastic syndrome; Neoplastic Syndromes, Hereditary; Hereditary Cancer Syndrome; Tumor predisposition. Identifiers: Orphanet 140162, MedGen C0027672, MeSH D009386, MONDO:0015356.

Submissions (7):

Labcorp Genetics (formerly Invitae), Labcorp
Classification: Pathogenic. Last evaluated: 2025-03-05. Review status: criteria provided, single submitter. Criteria: Invitae Variant Classification Sherloc (09022015). Collection method: clinical testing. Allele origin: germline.
Comment: This sequence change affects an acceptor splice site in intron 6 of the FH gene. It is expected to disrupt RNA splicing. Variants that disrupt the donor or acceptor splice site typically lead to a loss of protein function (PMID: 16199547), and loss-of-function variants in FH are known to be pathogenic (PMID: 11865300, 21398687). This variant is not present in population databases (gnomAD no frequency). Disruption of this splice site has been observed in individual(s) with hereditary leiomyomatosis and renal cell carcinoma (HLRCC) (PMID: 15761418). It has also been observed to segregate with disease in related individuals. ClinVar contains an entry for this variant (Variation ID: 208374). Algorithms developed to predict the effect of sequence changes on RNA splicing suggest that this variant may disrupt the consensus splice site. For these reasons, this variant has been classified as Pathogenic.

Baylor Genetics
Classification: Pathogenic for Fumarase deficiency. Last evaluated: 2024-03-11. Review status: criteria provided, single submitter. Criteria: ACMG Guidelines, 2015. Collection method: clinical testing. Allele origin: unknown.

Illumina Laboratory Services, Illumina
Classification: Pathogenic for Hereditary leiomyomatosis and renal cell cancer. Last evaluated: 2023-10-30. Review status: criteria provided, single submitter. Criteria: ICSLVariantClassificationCriteria RUGD 01 April 2020. Collection method: clinical testing. Allele origin: unknown.
Comment: The FH c.905-1G>A variant results in a substitution at the consensus splice acceptor site, which may result in splicing defects. This variant has been identified in eight individuals from four families with a phenotype consistent with hereditary leiomyomatosis and renal cell cancer. The variant was shown to segregate with disease in two of these families and was absent from nine unaffected relatives and 142 control chromosomes (PMID: 15761418).This variant is not observed in version 2.1.1 or version 3.1.2 of the Genome Aggregation Database. This variant has been classified as likely pathogenic/pathogenic by at least three submitters in ClinVar. Based on the available evidence, the c.905-1G>A variant is classified as pathogenic for hereditary leiomyomatosis and renal cell cancer.

Ambry Genetics
Classification: Pathogenic for Hereditary cancer-predisposing syndrome. Last evaluated: 2023-07-20. Review status: criteria provided, single submitter. Criteria: Ambry Variant Classification Scheme 2023. Collection method: clinical testing. Allele origin: germline.
Comment: The c.905-1G>A intronic pathogenic mutation results from a G to A substitution one nucleotide upstream from coding exon 7 of the FH gene. In one study, this mutation was identified in four Iranian families with multiple cutaneous and uterine leiomyomas, and haplotype analysis suggested this alteration may represent a founder mutation (Chuang GS et al. J. Am. Acad. Dermatol. 2005 Mar;52:410-6). In silico splice site analysis predicts that this alteration will weaken the native splice acceptor site and will result in the creation or strengthening of a novel splice acceptor site. In addition to the clinical data presented in the literature, alterations that disrupt the canonical splice site are expected to cause aberrant splicing, resulting in an abnormal protein or a transcript that is subject to nonsense-mediated mRNA decay. As such, this alteration is classified as a disease-causing mutation.

GeneDx
Classification: Likely pathogenic. Last evaluated: 2021-06-14. Review status: criteria provided, single submitter. Criteria: GeneDx Variant Classification Process June 2021. Collection method: clinical testing. Allele origin: germline. Affected: yes.
Comment: Canonical splice site variant expected to result in aberrant splicing, although in the absence of functional evidence the actual effect of this sequence change is unknown.; Not observed at significant frequency in large population cohorts (Lek 2016); This variant is associated with the following publications: (PMID: 27535533, 15761418, 20301430, 20618355, 17908262, 15663510, 19939761, 25525159)

Kariminejad - Najmabadi Pathology & Genetics Center
Classification: Pathogenic for Fumarase deficiency. Review status: criteria provided, single submitter. Criteria: ACMG Guidelines, 2015. Collection method: clinical testing. Allele origin: germline. Affected: no.

GeneReviews
No classification provided. Condition: Hereditary leiomyomatosis and renal cell cancer. Review status: no classification provided. Collection method: literature only. Allele origin: germline. Affected: yes. Not counted in ClinVar's aggregate classification.

Literature cited by the submitters: PubMed 16199547 (cited by Labcorp Genetics (formerly Invitae), Labcorp); PubMed 11865300 (cited by Labcorp Genetics (formerly Invitae), Labcorp); PubMed 21398687 (cited by Labcorp Genetics (formerly Invitae), Labcorp); PubMed 15761418 (cited by 3 submitters); PubMed 15663510 (cited by Ambry Genetics); NCBI Bookshelf NBK1252 (cited by GeneReviews).

NM_000143.4(FH):c.905-1G>A

Gene: FH (fumarate hydratase; minus strand). Cytogenetic location: 1q43.
Variant type: single nucleotide variant.
Coding change: c.905-1G>A on transcript NM_000143.4 (MANE Select); the canonical splice acceptor site of the intron before coding-DNA position 905, G replaced by A.
Molecular consequence: splice acceptor variant.
Genome position (GRCh38, 1-based): chr1:241,504,246, C>T on the plus strand (G>A on the coding strand, the complement: FH is on the minus strand). VCF-style: chr1-241504246-C-T. GRCh37 (hg19) VCF-style: chr1-241667546-C-T.
Identifiers: ClinVar variation 208374 (VCV000208374.25), dbSNP rs797044973, ClinGen allele CA347392.